The following is an entry in ClinVar:

NC_000017.10:g.(?_48264825)_(48280990_?)dup

Genes: COL1A1 (collagen type I alpha 1 chain; minus strand), LOC126862586 (CDK7 strongly-dependent group 2 enhancer GRCh37_chr17:48273702-48274901; plus strand), LOC130061152 (ATAC-STARR-seq lymphoblastoid silent region 8689; plus strand), LOC130061153 (ATAC-STARR-seq lymphoblastoid silent region 8690; plus strand), LOC130061154 (ATAC-STARR-seq lymphoblastoid silent region 8691; plus strand). Cytogenetic location: 17q21.33.
Variant type: Duplication.
Identifiers: ClinVar variation 456721 (VCV000456721.1).

ClinVar aggregate classification (germline): Uncertain significance (1 of 4 stars; one submission).

Conditions:
Osteogenesis imperfecta type I (OI1). Also called: OI, TYPE I; OSTEOGENESIS IMPERFECTA TARDA; OSTEOGENESIS IMPERFECTA WITH BLUE SCLERAE; Osteogenesis imperfecta type 1; Lobstein's Disease; Lobstein disease. Identifiers: Orphanet 216796, Orphanet 666, MedGen C0023931, MONDO:0008146, OMIM 166200. Disease mechanism: loss of function.

Submission:

Labcorp Genetics (formerly Invitae), Labcorp
Classification: Uncertain significance for Osteogenesis imperfecta type I. Last evaluated: 2017-03-22. Review status: criteria provided, single submitter. Criteria: Invitae Variant Classification Sherloc (09022015). Collection method: clinical testing. Allele origin: germline.
Comment: This variant is a gross duplication of the genomic region encompassing exons 1-46 of the COL1A1 gene. The 5' end of this event is unknown as it extends beyond the assayed region for this gene and therefore may encompass additional genes. The 3' boundary is likely confined to intron 46 of the COL1A1 gene. Duplication of exons 1-46 has not been reported in the literature in an individual with a COL1A1-related disease. In summary, the exact genomic location of this variant is unknown and the impact of this duplication on COL1A1 protein function has not been established. Therefore, it has been classified as a Variant of Uncertain Significance.